The following is an entry in ClinVar:

NM_022168.4(IFIH1):c.1540G>C (p.Asp514His)

Gene: IFIH1 (interferon induced with helicase C domain 1; minus strand). Cytogenetic location: 2q24.2.
Variant type: single nucleotide variant.
Coding change: c.1540G>C on transcript NM_022168.4 (MANE Select); coding-DNA position 1540, G replaced by C.
Protein change: p.Asp514His; replaces aspartic acid 514 with histidine.
Molecular consequence: missense variant.
Genome position (GRCh38, 1-based): chr2:162,280,097, C>G on the plus strand (G>C on the coding strand, the complement: IFIH1 is on the minus strand). VCF-style: chr2-162280097-C-G. GRCh37 (hg19) VCF-style: chr2-163136607-C-G.
Other names: short protein forms D514H.
Identifiers: ClinVar variation 2946219 (VCV002946219.3), dbSNP rs2468962745, ClinGen allele CA349001172.
Genomic context (GRCh38, chr2:162,280,097, plus strand): 5'-CCTGTATTTGGTTTTTCAGTTGATCAAGGTTTTCTTTAACAGTTTTAATAGTAAATGCAT[C>G]AAGATTGGCACATAGCTGGAAAAGAGACATTTTTCAATATTTATGCAATTATTTTTCCCT-3'
Protein context (NP_071451.2, residues 504-524): EHILKLCANL[Asp514His]AFTIKTVKEN

ClinVar aggregate classification (germline): Uncertain significance (1 of 4 stars; one submission).

Conditions:
Aicardi-Goutieres syndrome 7 (AGS7). Identifiers: Orphanet 51, MedGen C3888244, MONDO:0014367, OMIM 615846.
Singleton-Merten syndrome 1 (SGMRT1). Also called: Widened medullary cavities of bone, aortic calcification, abnormal dentition, and muscular weakness; Syndrome of widened medullary cavities of the metacarpals and phalanges, aortic calcification and abnormal dentition. Identifiers: Orphanet 85191, MedGen C4225427, MONDO:0024535, OMIM 182250.

Allele frequency attached by ClinVar (database versions not stated): gnomAD exomes below 0.00001.
gnomAD v4.1: 1 of 1,566,032 alleles (0.000064%); highest among the groups gnomAD compares: Non-Finnish European, 0.000088%; no homozygotes.

Submission:

Labcorp Genetics (formerly Invitae), Labcorp
Classification: Uncertain significance for Aicardi-Goutieres syndrome 7; Singleton-Merten syndrome 1. Last evaluated: 2023-06-01. Review status: criteria provided, single submitter. Criteria: Invitae Variant Classification Sherloc (09022015). Collection method: clinical testing. Allele origin: germline.
Comment: In summary, the available evidence is currently insufficient to determine the role of this variant in disease. Therefore, it has been classified as a Variant of Uncertain Significance. Advanced modeling of protein sequence and biophysical properties (such as structural, functional, and spatial information, amino acid conservation, physicochemical variation, residue mobility, and thermodynamic stability) has been performed at Invitae for this missense variant, however the output from this modeling did not meet the statistical confidence thresholds required to predict the impact of this variant on IFIH1 protein function. This sequence change replaces aspartic acid, which is acidic and polar, with histidine, which is basic and polar, at codon 514 of the IFIH1 protein (p.Asp514His). This variant is not present in population databases (gnomAD no frequency). This missense change has been observed in at least one individual who was not affected with IFIH1-related conditions (Invitae). This variant has not been reported in the literature in individuals affected with IFIH1-related conditions.